The following is an entry in ClinVar:

NM_001142800.2(EYS):c.2370C>G (p.Tyr790Ter)

Gene: EYS (EGF-like photoreceptor maintenance factor; minus strand). Cytogenetic location: 6q12.
Variant type: single nucleotide variant.
Coding change: c.2370C>G on transcript NM_001142800.2 (MANE Select); coding-DNA position 2370, C replaced by G.
Protein change: p.Tyr790Ter; replaces tyrosine 790 with a stop codon.
Molecular consequence: nonsense.
Genome position (GRCh38, 1-based): chr6:64,945,804, G>C on the plus strand (C>G on the coding strand, the complement: EYS is on the minus strand). VCF-style: chr6-64945804-G-C. GRCh37 (hg19) VCF-style: chr6-65655697-G-C.
Other names: c.2370C>G, p.Tyr790Ter (NM_001292009.2); short protein forms Y790*.
Identifiers: ClinVar variation 1419170 (VCV001419170.7), dbSNP rs1439242117, ClinGen allele CA364787929.
Genomic context (GRCh38, chr6:64,945,804, plus strand): 5'-TGAGCACTCCAAGTAATTTCATGAAGAAAGCTAAAAATATGTTACTCACCGATAGCTTTT[G>C]TAAAGGTCAGTACAGGTGGAATTGTTCTTGCAAGGATTCATTTTACACTCATTGGATTCT-3'

ClinVar aggregate classification (germline): Pathogenic. Review status: criteria provided, multiple submitters, no conflicts (2 of 4 stars). 2 submissions from 2 submitters: Pathogenic (2). Last evaluated 2026-05-13.

Conditions:
Retinitis pigmentosa 25 (RP25). Identifiers: Orphanet 791, MedGen C1864446, MONDO:0011272, OMIM 602772.

Submissions (2):

Myriad Genetics, Inc.
Classification: Pathogenic for Retinitis pigmentosa 25. Last evaluated: 2026-05-13. Review status: criteria provided, single submitter. Criteria: Myriad Autosomal Dominant, Autosomal Recessive and X-Linked Classification Criteria (2023). Collection method: clinical testing. Allele origin: unknown.
Comment: NM_001142800.1(EYS):c.2370C>G(Y790*) is expected to be pathogenic in the context of retinitis pigmentosa, EYS-related. This variant is predicted to lead to an abnormal or absent protein product due to the creation of a premature termination codon in EYS, a gene where loss-of-function variants are known to be pathogenic. Please note: this variant was assessed in the context of healthy population screening.

Labcorp Genetics (formerly Invitae), Labcorp
Classification: Pathogenic. Last evaluated: 2024-11-05. Review status: criteria provided, single submitter. Criteria: Invitae Variant Classification Sherloc (09022015). Collection method: clinical testing. Allele origin: germline.
Comment: This sequence change creates a premature translational stop signal (p.Tyr790*) in the EYS gene. It is expected to result in an absent or disrupted protein product. Loss-of-function variants in EYS are known to be pathogenic (PMID: 18836446, 20333770). This variant is not present in population databases (gnomAD no frequency). This variant has not been reported in the literature in individuals affected with EYS-related conditions. ClinVar contains an entry for this variant (Variation ID: 1419170). For these reasons, this variant has been classified as Pathogenic.

Literature cited by the submitters: PubMed 18836446 (cited by Labcorp Genetics (formerly Invitae), Labcorp); PubMed 20333770 (cited by Labcorp Genetics (formerly Invitae), Labcorp).